The following is an entry in ClinVar:

ClinVar aggregate classification (germline): Likely benign. Review status: criteria provided, multiple submitters, no conflicts (2 of 4 stars). 3 submissions from 3 submitters: Likely benign (3). Last evaluated 2025-12-31.

Conditions:
Long QT syndrome (LQTS). Identifiers: MedGen C0023976, MeSH D008133, MONDO:0002442. Disease mechanism: loss of function. Inheritance: Various modes of inheritance.
Cardiac arrhythmia. Also called: Arrhythmia; Cardiac rhythm disease. Identifiers: MedGen C0003811, MONDO:0007263, HP:0011675.

Allele frequency attached by ClinVar (database versions not stated): gnomAD 0.00001; gnomAD exomes 0.00001; TOPMed 0.00002; ExAC 0.00007; ESP Exome Variant Server 0.00008.

Submissions (3):

Labcorp Genetics (formerly Invitae), Labcorp
Classification: Likely benign for Long QT syndrome. Last evaluated: 2025-12-31. Review status: criteria provided, single submitter. Criteria: Invitae Variant Classification Sherloc (09022015). Collection method: clinical testing. Allele origin: germline.

All of Us Research Program, National Institutes of Health
Classification: Likely benign for Long QT syndrome. Last evaluated: 2024-04-16. Review status: criteria provided, single submitter. Criteria: ACMG Guidelines, 2015. Collection method: clinical testing. Allele origin: germline. Inheritance: Autosomal dominant inheritance. Observed: 2 variant alleles, 2 heterozygotes.
Comment: This study involves interpretation of variants in research participants for the purpose of population health screening. Participant phenotype was not available at the time of variant classification. Additional details can be found in publication PMID: 35346344, PMCID: PMC8962531

Color Diagnostics, LLC DBA Color Health
Classification: Likely benign for Cardiac arrhythmia. Last evaluated: 2024-02-28. Review status: criteria provided, single submitter. Criteria: ACMG Guidelines, 2015. Collection method: clinical testing. Allele origin: germline.

NM_000238.4(KCNH2):c.3417G>A (p.Pro1139=)

Gene: KCNH2 (potassium voltage-gated channel subfamily H member 2; minus strand). Cytogenetic location: 7q36.1.
Variant type: single nucleotide variant.
Coding change: c.3417G>A on transcript NM_000238.4 (MANE Select); coding-DNA position 3417, G replaced by A.
Protein change: p.Pro1139=; no amino-acid change (proline 1139 retained).
Molecular consequence: synonymous variant. On other transcripts: non-coding transcript variant (2).
Genome position (GRCh38, 1-based): chr7:150,945,428, C>T on the plus strand (G>A on the coding strand, the complement: KCNH2 is on the minus strand). VCF-style: chr7-150945428-C-T. GRCh37 (hg19) VCF-style: chr7-150642516-C-T.
Other names: c.3129G>A, p.Pro1043= (NM_001406753.1); c.2397G>A, p.Pro799= (NM_172057.3).
Identifiers: ClinVar variation 2068869 (VCV002068869.6), dbSNP rs376137640, ClinGen allele CA038973.
Genomic context (GRCh38, chr7:150,945,428, plus strand): 5'-ACTGCCCGGGTCCGAGCCGTGTCTGTGCAGGGGCTGGGAGGTGAGGGCCCCCAGCTGGCC[C>T]GGTAGGGAGAGGCGTCGTGTGGGGCCTTCTTGGGGAAGCTCTGGGGCCCCCGGGGGCAGC-3'
Protein context (NP_000229.1, residues 1129-1149): QEGPTRRLSL[Pro1139=]GQLGALTSQP